The following is an entry in ClinVar:

ClinVar aggregate classification (germline): Likely benign. Review status: criteria provided, multiple submitters, no conflicts (2 of 4 stars). 2 submissions from 2 submitters: Likely benign (2). Last evaluated 2026-01-26.

Conditions:
MIB1-related disorder. Also called: MIB1-related condition.
Inborn genetic diseases. Identifiers: MedGen C0950123, MeSH D030342.

Allele frequency attached by ClinVar (database versions not stated): TOPMed 0.00002; gnomAD 0.00003; ExAC 0.00005; ESP Exome Variant Server 0.00008.
gnomAD v4.1: 49 of 1,614,006 alleles (0.003%); highest among the groups gnomAD compares: East Asian, 0.04%; no homozygotes.

Submissions (2):

PreventionGenetics, part of Exact Sciences
Classification: Likely benign for MIB1-related condition. Last evaluated: 2026-01-26. Review status: criteria provided, single submitter. Criteria: ACMG Guidelines, 2015. Collection method: clinical testing. Allele origin: germline.
Comment: This variant is classified as likely benign based on ACMG/AMP sequence variant interpretation guidelines (Richards et al. 2015 PMID: 25741868, with internal and published modifications).

Ambry Genetics
Classification: Likely benign for Inborn genetic diseases. Last evaluated: 2022-06-09. Review status: criteria provided, single submitter. Criteria: Ambry Variant Classification Scheme 2023. Collection method: clinical testing. Allele origin: germline.

NM_020774.4(MIB1):c.1530C>T (p.Gly510=)

Gene: MIB1 (MIB E3 ubiquitin protein ligase 1; plus strand). Cytogenetic location: 18q11.2.
Variant type: single nucleotide variant.
Coding change: c.1530C>T on transcript NM_020774.4 (MANE Select); coding-DNA position 1530, C replaced by T.
Protein change: p.Gly510=; no amino-acid change (glycine 510 retained).
Molecular consequence: synonymous variant.
Genome position (GRCh38, 1-based): chr18:21,815,666, C>T. VCF-style: chr18-21815666-C-T. GRCh37 (hg19) VCF-style: chr18-19395627-C-T.
Identifiers: ClinVar variation 1774614 (VCV001774614.3), dbSNP rs370649297, ClinGen allele CA8908314.